The following is an entry in ClinVar:

ClinVar aggregate classification (germline): Uncertain significance. Review status: criteria provided, multiple submitters, no conflicts (2 of 4 stars). 2 submissions from 2 submitters: Uncertain significance (2). Last evaluated 2025-05-25.

Conditions:
Retinoblastoma (RB1). Also called: RETINOBLASTOMA, SOMATIC. Identifiers: Orphanet 790, MedGen C0035335, MeSH D012175, MONDO:0008380, OMIM 180200, HP:0009919. Disease mechanism: loss of function. Inheritance: Both sporadic and heritable forms are tested..

Submissions (2):

Color Diagnostics, LLC DBA Color Health
Classification: Uncertain significance for Retinoblastoma. Last evaluated: 2025-05-25. Review status: criteria provided, single submitter. Criteria: ACMG Guidelines, 2015. Collection method: clinical testing. Allele origin: germline.
Comment: This missense variant replaces glutamic acid with glutamine at codon 166 of the RB1 protein. Computational prediction suggests that this variant may not impact protein structure and function. To our knowledge, functional studies have not been reported for this variant. This variant has not been reported in individuals affected with RB1-related disorders in the literature. This variant has not been identified in the general population by the Genome Aggregation Database (gnomAD). The available evidence is insufficient to determine the role of this variant in disease conclusively. Therefore, this variant is classified as a Variant of Uncertain Significance.

Labcorp Genetics (formerly Invitae), Labcorp
Classification: Uncertain significance for Retinoblastoma. Last evaluated: 2025-04-23. Review status: criteria provided, single submitter. Criteria: Invitae Variant Classification Sherloc (09022015). Collection method: clinical testing. Allele origin: germline.
Comment: This sequence change replaces glutamic acid, which is acidic and polar, with glutamine, which is neutral and polar, at codon 166 of the RB1 protein (p.Glu166Gln). This variant is not present in population databases (gnomAD no frequency). This variant has not been reported in the literature in individuals affected with RB1-related conditions. Invitae Evidence Modeling of protein sequence and biophysical properties (such as structural, functional, and spatial information, amino acid conservation, physicochemical variation, residue mobility, and thermodynamic stability) indicates that this missense variant is not expected to disrupt RB1 protein function with a negative predictive value of 80%. In summary, the available evidence is currently insufficient to determine the role of this variant in disease. Therefore, it has been classified as a Variant of Uncertain Significance.

NM_000321.3(RB1):c.496G>C (p.Glu166Gln)

Gene: RB1 (RB transcriptional corepressor 1; plus strand). Cytogenetic location: 13q14.2.
Variant type: single nucleotide variant.
Coding change: c.496G>C on transcript NM_000321.3 (MANE Select); coding-DNA position 496, G replaced by C.
Protein change: p.Glu166Gln; replaces glutamic acid 166 with glutamine.
Molecular consequence: missense variant.
Genome position (GRCh38, 1-based): chr13:48,345,195, G>C. VCF-style: chr13-48345195-G-C. GRCh37 (hg19) VCF-style: chr13-48919331-G-C.
Other names: c.496G>C, p.Glu166Gln (NM_001407165.1, NM_001407166.1); short protein forms E166Q.
Identifiers: ClinVar variation 4745266 (VCV004745266.1).